The following is an entry in ClinVar:

NM_018117.12(WDR11):c.1471+6T>C

Gene: WDR11 (WD repeat domain 11; plus strand). Cytogenetic location: 10q26.12.
Variant type: single nucleotide variant.
Coding change: c.1471+6T>C on transcript NM_018117.12 (MANE Select); 6 bases into the intron after coding-DNA position 1471, T replaced by C.
Molecular consequence: intron variant.
Genome position (GRCh38, 1-based): chr10:120,871,352, T>C. VCF-style: chr10-120871352-T-C. GRCh37 (hg19) VCF-style: chr10-122630864-T-C.
Identifiers: ClinVar variation 3339002 (VCV003339002.1).

ClinVar aggregate classification (germline): Uncertain significance (1 of 4 stars; one submission).

gnomAD v4.1: 3 of 1,613,270 alleles (0.00019%); highest among the groups gnomAD compares: Admixed American, 0.0033%; no homozygotes.

Submission:

Women's Health and Genetics/Laboratory Corporation of America, LabCorp
Classification: Uncertain significance. Last evaluated: 2024-07-09. Review status: criteria provided, single submitter. Criteria: LabCorp Variant Classification Summary - May 2015. Collection method: clinical testing. Allele origin: germline.
Comment: Variant summary: WDR11 c.1471+6T>C alters a conserved nucleotide located close to a canonical splice site and therefore could affect mRNA splicing, leading to a significantly altered protein sequence. Several computational tools predict a significant impact on normal splicing: Three predict the variant weakens a canonical 5' donor site. However, these predictions have yet to be confirmed by functional studies. The variant allele was found at a frequency of 4e-06 in 250342 control chromosomes. The available data on variant occurrences in the general population are insufficient to allow any conclusion about variant significance. To our knowledge, no occurrence of c.1471+6T>C in individuals affected with WDR11-Related Disorders and no experimental evidence demonstrating its impact on protein function have been reported. No submitters have cited clinical-significance assessments for this variant to ClinVar. Based on the evidence outlined above, the variant was classified as uncertain significance.